The following is an entry in ClinVar:

ClinVar aggregate classification (germline): Likely pathogenic (1 of 4 stars; one submission).

Conditions:
Adenosine kinase deficiency. Also called: Hypermethioninemia due to adenosine kinase deficiency; MENTAL RETARDATION, AUTOSOMAL RECESSIVE 8. Identifiers: Orphanet 289290, Orphanet 88616, MedGen C4706555, MONDO:0100255, OMIM 614300.

Allele frequency attached by ClinVar (database versions not stated): TOPMed below 0.00001.

Submission:

Rady Children's Institute for Genomic Medicine, Rady Children's Hospital San Diego
Classification: Likely pathogenic for HYPERMETHIONINEMIA DUE TO ADENOSINE KINASE DEFICIENCY. Review status: criteria provided, single submitter. Criteria: ACMG Guidelines, 2015. Collection method: clinical testing. Allele origin: germline. Affected: yes.
Comment: This nonsense variant found in exon 11 of 12 is predicted to result in loss of normal protein function through either protein truncation or nonsense-mediated mRNA decay (NMD). This variant has not been previously reported or functionally characterized in the literature to our knowledge. It is absent from the gnomAD population database and thus is presumed to be rare. Based on the available evidence, the c.916C>T (p.Gln306Ter) variant is classified as Likely Pathogenic.

NM_006721.4(ADK):c.916C>T (p.Gln306Ter)

Gene: ADK (adenosine kinase; plus strand). Cytogenetic location: 10q22.2.
Variant type: single nucleotide variant.
Coding change: c.916C>T on transcript NM_006721.4 (MANE Select); coding-DNA position 916, C replaced by T.
Protein change: p.Gln306Ter; replaces glutamine 306 with a stop codon.
Molecular consequence: nonsense. On other transcripts: synonymous variant (1).
Genome position (GRCh38, 1-based): chr10:74,670,221, C>T. VCF-style: chr10-74670221-C-T. GRCh37 (hg19) VCF-style: chr10-76429979-C-T.
Other names: c.865C>T, p.Gln289Ter (NM_001123.4); c.811C>T, p.Gln271Ter (NM_001202449.2); c.745C>T, p.Gln249Ter (NM_001202450.2); c.801C>T, p.Thr267= (NM_001369123.1); c.694C>T, p.Gln232Ter (NM_001369124.1); short protein forms Q232*, Q249*, Q271*, Q289*, Q306*.
Identifiers: ClinVar variation 2584481 (VCV002584481.1), dbSNP rs1855118837, ClinGen allele CA377398945.